The following is an entry in ClinVar:

ClinVar aggregate classification (germline): Conflicting classifications of pathogenicity. Review status: criteria provided, conflicting classifications (1 of 4 stars). 2 submissions from 2 submitters: Uncertain significance (1); Likely benign (1). Last evaluated 2024-12-24.

Conditions:
Developmental and epileptic encephalopathy, 42 (DEE42A). Also called: Epileptic encephalopathy, early infantile, 42; DEVELOPMENTAL AND EPILEPTIC ENCEPHALOPATHY 42A; EPILEPTIC ENCEPHALOPATHY, EARLY INFANTILE, 42A. Identifiers: MedGen C4310716, MONDO:0014917, OMIM 617106.
Episodic ataxia type 2 (EA2). Also called: EPISODIC ATAXIA, NYSTAGMUS-ASSOCIATED; ATAXIA, EPISODIC, WITH NYSTAGMUS; ATAXIA, FAMILIAL PAROXYSMAL; CEREBELLAR ATAXIA, PAROXYSMAL, ACETAZOLAMIDE-RESPONSIVE; CEREBELLOPATHY, HEREDITARY PAROXYSMAL; ACETAZOLAMIDE-RESPONSIVE HEREDITARY PAROXYSMAL CEREBELLAR ATAXIA. Identifiers: Orphanet 97, MedGen C1720416, MONDO:0007163, OMIM 108500.

gnomAD v4.1: 5 of 1,612,770 alleles (0.00031%); highest among the groups gnomAD compares: Non-Finnish European, 0.00042%; 1 homozygote.

Submissions (2):

Labcorp Genetics (formerly Invitae), Labcorp
Classification: Uncertain significance for Developmental and epileptic encephalopathy, 42; Episodic ataxia type 2. Last evaluated: 2024-12-24. Review status: criteria provided, single submitter. Criteria: Invitae Variant Classification Sherloc (09022015). Collection method: clinical testing. Allele origin: germline.
Comment: This sequence change replaces alanine, which is neutral and non-polar, with serine, which is neutral and polar, at codon 1089 of the CACNA1A protein (p.Ala1089Ser). The frequency data for this variant in the population databases is considered unreliable, as metrics indicate poor data quality at this position in the gnomAD database. This variant has not been reported in the literature in individuals affected with CACNA1A-related conditions. ClinVar contains an entry for this variant (Variation ID: 1978185). Invitae Evidence Modeling of protein sequence and biophysical properties (such as structural, functional, and spatial information, amino acid conservation, physicochemical variation, residue mobility, and thermodynamic stability) indicates that this missense variant is not expected to disrupt CACNA1A protein function with a negative predictive value of 95%. In summary, the available evidence is currently insufficient to determine the role of this variant in disease. Therefore, it has been classified as a Variant of Uncertain Significance.

Blueprint Genetics
Classification: Likely benign. Last evaluated: 2024-07-23. Review status: criteria provided, single submitter. Criteria: ACMG Guidelines, 2015. Collection method: clinical testing. Allele origin: germline.

NM_001127222.2(CACNA1A):c.3262G>T (p.Ala1088Ser)

Gene: CACNA1A (calcium voltage-gated channel subunit alpha1 A; minus strand). Cytogenetic location: 19p13.13.
Variant type: single nucleotide variant.
Coding change: c.3262G>T on transcript NM_001127222.2 (MANE Select); coding-DNA position 3262, G replaced by T.
Protein change: p.Ala1088Ser; replaces alanine 1088 with serine.
Molecular consequence: missense variant.
Genome position (GRCh38, 1-based): chr19:13,286,794, C>A on the plus strand (G>T on the coding strand, the complement: CACNA1A is on the minus strand). VCF-style: chr19-13286794-C-A. GRCh37 (hg19) VCF-style: chr19-13397608-C-A.
Other names: c.3274G>T, p.Ala1092Ser (NM_000068.4, NM_023035.3); c.3265G>T, p.Ala1089Ser (NM_001127221.2, NM_001174080.2); short protein forms A1088S, A1089S, A1092S.
Identifiers: ClinVar variation 1978185 (VCV001978185.6), dbSNP rs371820430, ClinGen allele CA404341726.